The following is an entry in ClinVar:

NM_005245.4(FAT1):c.4952C>T (p.Thr1651Ile)

Gene: FAT1 (FAT atypical cadherin 1; minus strand). Cytogenetic location: 4q35.2.
Variant type: single nucleotide variant.
Coding change: c.4952C>T on transcript NM_005245.4 (MANE Select); coding-DNA position 4952, C replaced by T.
Protein change: p.Thr1651Ile; replaces threonine 1651 with isoleucine.
Molecular consequence: missense variant.
Genome position (GRCh38, 1-based): chr4:186,621,634, G>A on the plus strand (C>T on the coding strand, the complement: FAT1 is on the minus strand). VCF-style: chr4-186621634-G-A. GRCh37 (hg19) VCF-style: chr4-187542788-G-A.
Other names: c.4952C>T (NM_005245.3); short protein forms T1651I.
Identifiers: ClinVar variation 1399183 (VCV001399183.10), dbSNP rs199507367, ClinGen allele CA3166560.

ClinVar aggregate classification (germline): Uncertain significance. Review status: criteria provided, multiple submitters, no conflicts (2 of 4 stars). 3 submissions from 3 submitters: Uncertain significance (3). Last evaluated 2025-02-26.

Conditions:
Inborn genetic diseases. Identifiers: MedGen C0950123, MeSH D030342.
FAT1-related disorder. Also called: FAT1-related condition.

Allele frequency attached by ClinVar (database versions not stated): ESP Exome Variant Server 0.00025; gnomAD 0.00025 and 0.00026; TOPMed 0.00025.
gnomAD v4.1: 67 of 1,614,030 alleles (0.0042%); highest among the groups gnomAD compares: African/African-American, 0.087%; 1 homozygote.

Submissions (3):

Ambry Genetics
Classification: Uncertain significance for Inborn genetic diseases. Last evaluated: 2025-02-26. Review status: criteria provided, single submitter. Criteria: Ambry Variant Classification Scheme 2023. Collection method: clinical testing. Allele origin: germline.

Labcorp Genetics (formerly Invitae), Labcorp
Classification: Uncertain significance. Last evaluated: 2024-05-06. Review status: criteria provided, single submitter. Criteria: Invitae Variant Classification Sherloc (09022015). Collection method: clinical testing. Allele origin: germline.
Comment: This sequence change replaces threonine, which is neutral and polar, with isoleucine, which is neutral and non-polar, at codon 1651 of the FAT1 protein (p.Thr1651Ile). This variant is present in population databases (rs199507367, gnomAD 0.1%). This variant has not been reported in the literature in individuals affected with FAT1-related conditions. ClinVar contains an entry for this variant (Variation ID: 1399183). An algorithm developed to predict the effect of missense changes on protein structure and function (PolyPhen-2) suggests that this variant is likely to be disruptive. In summary, the available evidence is currently insufficient to determine the role of this variant in disease. Therefore, it has been classified as a Variant of Uncertain Significance.

PreventionGenetics, part of Exact Sciences
Classification: Uncertain significance for FAT1-related condition. Last evaluated: 2022-12-19. Review status: criteria provided, single submitter. Criteria: ACMG Guidelines, 2015. Collection method: clinical testing. Allele origin: germline.
Comment: The FAT1 c.4952C>T variant is predicted to result in the amino acid substitution p.Thr1651Ile. To our knowledge, this variant has not been reported in the literature. This variant is reported in 0.12% of alleles in individuals of African descent in gnomAD. At this time, the clinical significance of this variant is uncertain due to the absence of conclusive functional and genetic evidence.